The following is an entry in ClinVar:

ClinVar aggregate classification (germline): Uncertain significance. Review status: criteria provided, multiple submitters, no conflicts (2 of 4 stars). 2 submissions from 2 submitters: Uncertain significance (2). Last evaluated 2026-08-19.

Conditions:
Familial thoracic aortic aneurysm and aortic dissection (TAAD). Also called: Thoracic aortic aneurysms and dissections. Identifiers: Orphanet 91387, MedGen C4707243, MONDO:0019625.
Congenital contractural arachnodactyly (CCA). Also called: BEALS SYNDROME; Beals-Hecht syndrome; Arthrogryposis, distal, type 9. Identifiers: Orphanet 115, MedGen C0220668, MONDO:0007363, OMIM 121050.

Allele frequency attached by ClinVar (database versions not stated): TOPMed below 0.00001; ExAC 0.00002.
gnomAD v4.1: 24 of 1,614,022 alleles (0.0015%); highest among the groups gnomAD compares: Non-Finnish European, 0.0018%; no homozygotes.

Submissions (2):

Ambry Genetics
Classification: Uncertain significance for Familial thoracic aortic aneurysm and aortic dissection. Last evaluated: 2026-08-19. Review status: criteria provided, single submitter. Criteria: Ambry Variant Classification Scheme 2023. Collection method: clinical testing. Allele origin: germline.
Comment: The c.1231+4C>T intronic variant results from a C to T substitution 4 nucleotides after coding exon 9 in the FBN2 gene. This nucleotide position is poorly conserved in available vertebrate species. In silico splice site analysis for this alteration is inconclusive. Based on the available evidence, the clinical significance of this variant remains unclear.

Labcorp Genetics (formerly Invitae), Labcorp
Classification: Uncertain significance for Congenital contractural arachnodactyly. Last evaluated: 2024-10-26. Review status: criteria provided, single submitter. Criteria: Invitae Variant Classification Sherloc (09022015). Collection method: clinical testing. Allele origin: germline.
Comment: This sequence change falls in intron 9 of the FBN2 gene. It does not directly change the encoded amino acid sequence of the FBN2 protein. It affects a nucleotide within the consensus splice site. This variant is present in population databases (rs556079768, gnomAD 0.003%). This variant has not been reported in the literature in individuals affected with FBN2-related conditions. ClinVar contains an entry for this variant (Variation ID: 1755578). Variants that disrupt the consensus splice site are a relatively common cause of aberrant splicing (PMID: 17576681, 9536098). Algorithms developed to predict the effect of sequence changes on RNA splicing suggest that this variant is not likely to affect RNA splicing. In summary, the available evidence is currently insufficient to determine the role of this variant in disease. Therefore, it has been classified as a Variant of Uncertain Significance.

Literature cited by the submitters: PubMed 17576681 (cited by Labcorp Genetics (formerly Invitae), Labcorp); PubMed 9536098 (cited by Labcorp Genetics (formerly Invitae), Labcorp).

NM_001999.4(FBN2):c.1231+4C>T

Gene: FBN2 (fibrillin 2; minus strand). Cytogenetic location: 5q23.3.
Variant type: single nucleotide variant.
Coding change: c.1231+4C>T on transcript NM_001999.4 (MANE Select); 4 bases into the intron after coding-DNA position 1231, C replaced by T.
Molecular consequence: intron variant.
Genome position (GRCh38, 1-based): chr5:128,395,118, G>A on the plus strand (C>T on the coding strand, the complement: FBN2 is on the minus strand). VCF-style: chr5-128395118-G-A. GRCh37 (hg19) VCF-style: chr5-127730811-G-A.
Identifiers: ClinVar variation 1755578 (VCV001755578.5), dbSNP rs556079768, ClinGen allele CA3395857.